The following is an entry in ClinVar:

ClinVar aggregate classification (germline): Uncertain significance (1 of 4 stars; one submission).

Conditions:
Developmental and epileptic encephalopathy, 23 (DEE23). Also called: Epileptic encephalopathy, early infantile, 23. Identifiers: Orphanet 411986, MedGen C4014492, MONDO:0014371, OMIM 615859.

Allele frequency attached by ClinVar (database versions not stated): gnomAD exomes below 0.00001 and 0.00001; ExAC 0.00001; gnomAD 0.00002; TOPMed 0.00002; ESP Exome Variant Server 0.00008.
gnomAD v4.1: 12 of 1,610,064 alleles (0.00075%); highest among the groups gnomAD compares: African/African-American, 0.0013%; no homozygotes.

Submission:

Labcorp Genetics (formerly Invitae), Labcorp
Classification: Uncertain significance for Developmental and epileptic encephalopathy, 23. Last evaluated: 2022-09-07. Review status: criteria provided, single submitter. Criteria: Invitae Variant Classification Sherloc (09022015). Collection method: clinical testing. Allele origin: germline.
Comment: This sequence change replaces lysine, which is basic and polar, with glutamic acid, which is acidic and polar, at codon 1210 of the DOCK7 protein (p.Lys1210Glu). The frequency data for this variant in the population databases is considered unreliable, as metrics indicate poor data quality at this position in the gnomAD database. This variant has not been reported in the literature in individuals affected with DOCK7-related conditions. ClinVar contains an entry for this variant (Variation ID: 1420649). Algorithms developed to predict the effect of missense changes on protein structure and function are either unavailable or do not agree on the potential impact of this missense change (SIFT: "Tolerated"; PolyPhen-2: "Possibly Damaging"; Align-GVGD: "Class C0"). In summary, the available evidence is currently insufficient to determine the role of this variant in disease. Therefore, it has been classified as a Variant of Uncertain Significance.

NM_001367561.1(DOCK7):c.3628A>G (p.Lys1210Glu)

Gene: DOCK7 (dedicator of cytokinesis 7; minus strand). Cytogenetic location: 1p31.3.
Variant type: single nucleotide variant.
Coding change: c.3628A>G on transcript NM_001367561.1 (MANE Select); coding-DNA position 3628, A replaced by G.
Protein change: p.Lys1210Glu; replaces lysine 1210 with glutamic acid.
Molecular consequence: missense variant.
Genome position (GRCh38, 1-based): chr1:62,529,430, T>C on the plus strand (A>G on the coding strand, the complement: DOCK7 is on the minus strand). VCF-style: chr1-62529430-T-C. GRCh37 (hg19) VCF-style: chr1-62995101-T-C.
Other names: c.3628A>G, p.Lys1210Glu (NM_001271999.2, NM_001330614.2); c.3535A>G, p.Lys1179Glu (NM_001272000.2, NM_001272001.2, NM_033407.4); short protein forms K1179E, K1210E.
Identifiers: ClinVar variation 1420649 (VCV001420649.5), dbSNP rs376861565, ClinGen allele CA885927.
Genomic context (GRCh38, chr1:62,529,430, plus strand): 5'-AGTACCGCGGGTCTGAGTCGTGACTGGAGAGTAAATTGTGTACCATATTGATGACTTTCT[T>C]ATGCAATCCAAACAGTCTATTTAAAAAGAAGAAGACAAAGAAGAAAAAGCAGTAAGGCCA-3'
Protein context (NP_001354490.1, residues 1200-1220): PDAEGLFGLH[Lys1210Glu]KVINMVHNLL